The following is an entry in ClinVar:

NM_001308210.2(TSHZ1):c.975C>T (p.His325=)

Gene: TSHZ1 (teashirt zinc finger homeobox 1; plus strand). Cytogenetic location: 18q22.3.
Variant type: single nucleotide variant.
Coding change: c.975C>T on transcript NM_001308210.2 (MANE Select); coding-DNA position 975, C replaced by T.
Protein change: p.His325=; no amino-acid change (histidine 325 retained).
Molecular consequence: synonymous variant.
Genome position (GRCh38, 1-based): chr18:75,286,382, C>T. VCF-style: chr18-75286382-C-T. GRCh37 (hg19) VCF-style: chr18-72998337-C-T.
Other names: c.840C>T, p.His280= (NM_005786.6).
Identifiers: ClinVar variation 3043497 (VCV003043497.2), dbSNP rs753713537, ClinGen allele CA9001933.
Genomic context (GRCh38, chr18:75,286,382, plus strand): 5'-GGTGCTGAAGTGCATGTACTGTGGACACTCCTTTGAGTCCTTGCAGGACCTCAGCGTCCA[C>T]ATGATCAAAACCAAGCATTACCAGAAAGTGCCTCTGAAGGAGCCAGTGCCAGCCATCACC-3'
Protein context (NP_001295139.1, residues 315-335): SFESLQDLSV[His325=]MIKTKHYQKV

ClinVar aggregate classification (germline): Likely benign (0 of 4 stars; one submission).

Conditions:
TSHZ1-related disorder. Also called: TSHZ1-related condition.

Allele frequency attached by ClinVar (database versions not stated): gnomAD exomes 0.00002; ExAC 0.00007.
gnomAD v4.1: 30 of 1,614,198 alleles (0.0019%); highest among the groups gnomAD compares: South Asian, 0.031%; no homozygotes.

Submission:

PreventionGenetics, part of Exact Sciences
Classification: Likely benign for TSHZ1-related condition. Last evaluated: 2019-06-27. Review status: no assertion criteria provided. Collection method: clinical testing. Allele origin: germline.
Comment: This variant is classified as likely benign based on ACMG/AMP sequence variant interpretation guidelines (Richards et al. 2015 PMID: 25741868, with internal and published modifications).